The following is an entry in ClinVar:

NM_001367624.2(ZNF469):c.4316C>T (p.Thr1439Met)

Gene: ZNF469 (zinc finger protein 469; plus strand). Cytogenetic location: 16q24.2.
Variant type: single nucleotide variant.
Coding change: c.4316C>T on transcript NM_001367624.2 (MANE Select); coding-DNA position 4316, C replaced by T.
Protein change: p.Thr1439Met; replaces threonine 1439 with methionine.
Molecular consequence: missense variant.
Genome position (GRCh38, 1-based): chr16:88,431,786, C>T. VCF-style: chr16-88431786-C-T. GRCh37 (hg19) VCF-style: chr16-88498194-C-T.
Other names: NM_001127464.1:c.4232C>T; short protein forms T1439M.
Identifiers: ClinVar variation 1515519 (VCV001515519.6), dbSNP rs752630858, ClinGen allele CA8224936.

ClinVar aggregate classification (germline): Conflicting classifications of pathogenicity. Review status: criteria provided, conflicting classifications (1 of 4 stars). 2 submissions from 2 submitters: Uncertain significance (1); Benign (1). Last evaluated 2024-12-24.

Conditions:
Cardiovascular phenotype. Identifiers: MedGen CN230736.

Allele frequency attached by ClinVar (database versions not stated): gnomAD exomes 0.00005 and 0.00009; gnomAD 0.00011 and 0.00012; TOPMed 0.00011; ExAC 0.00017.
gnomAD v4.1: 99 of 1,549,670 alleles (0.0064%); highest among the groups gnomAD compares: Middle Eastern, 0.067%; no homozygotes.

Submissions (2):

Ambry Genetics
Classification: Benign for Cardiovascular phenotype. Last evaluated: 2024-12-24. Review status: criteria provided, single submitter. Criteria: Ambry Variant Classification Scheme 2023. Collection method: clinical testing. Allele origin: germline.

Labcorp Genetics (formerly Invitae), Labcorp
Classification: Uncertain significance. Last evaluated: 2021-11-18. Review status: criteria provided, single submitter. Criteria: Invitae Variant Classification Sherloc (09022015). Collection method: clinical testing. Allele origin: germline.
Comment: This sequence change replaces threonine, which is neutral and polar, with methionine, which is neutral and non-polar, at codon 1411 of the ZNF469 protein (p.Thr1411Met). This variant is present in population databases (rs752630858, gnomAD 0.03%). This variant has not been reported in the literature in individuals affected with ZNF469-related conditions. Algorithms developed to predict the effect of missense changes on protein structure and function output the following: SIFT: "Deleterious"; PolyPhen-2: "Benign"; Align-GVGD: "Class C0". The methionine amino acid residue is found in multiple mammalian species, which suggests that this missense change does not adversely affect protein function. In summary, the available evidence is currently insufficient to determine the role of this variant in disease. Therefore, it has been classified as a Variant of Uncertain Significance.